The following is an entry in ClinVar:

NM_000059.4(BRCA2):c.6741T>A (p.Ser2247Arg)

Gene: BRCA2 (BRCA2 DNA repair associated; plus strand). Cytogenetic location: 13q13.1.
Variant type: single nucleotide variant.
Coding change: c.6741T>A on transcript NM_000059.4 (MANE Select); coding-DNA position 6741, T replaced by A.
Protein change: p.Ser2247Arg; replaces serine 2247 with arginine.
Molecular consequence: missense variant.
Genome position (GRCh38, 1-based): chr13:32,341,096, T>A. VCF-style: chr13-32341096-T-A. GRCh37 (hg19) VCF-style: chr13-32915233-T-A.
Other names: short protein forms S2247R.
Identifiers: ClinVar variation 52174 (VCV000052174.26), dbSNP rs80358898, ClinGen allele CA024363.

ClinVar aggregate classification (germline): Conflicting classifications of pathogenicity. Review status: criteria provided, conflicting classifications (1 of 4 stars). 8 submissions from 8 submitters: Uncertain significance (4); Benign (1); Likely benign (2). 1 of the submissions does not count toward it. Last evaluated 2026-02-04.

Conditions:
Hereditary cancer-predisposing syndrome. Also called: Hereditary neoplastic syndrome; Tumor predisposition; Hereditary Cancer Syndrome; Neoplastic Syndromes, Hereditary. Identifiers: Orphanet 140162, MedGen C0027672, MeSH D009386, MONDO:0015356.
Hereditary breast ovarian cancer syndrome. Also called: Hereditary breast and/or ovarian cancer syndrome; Breast and ovarian cancer; Hereditary breast and ovarian cancer; Hereditary breast and ovarian cancer syndrome (HBOC); Hereditary breast and ovarian cancer syndrome; BRCA1- and BRCA2-Associated Hereditary Breast and Ovarian Cancer. Identifiers: Orphanet 145, MedGen C0677776, MeSH D061325, MONDO:0003582. Disease mechanism: loss of function.
Breast-ovarian cancer, familial, susceptibility to, 2 (BROVCA2). Also called: BRCA2 Hereditary Breast and Ovarian Cancer. Identifiers: Orphanet 145, MedGen C2675520, MONDO:0012933, OMIM 612555. Disease mechanism: loss of function.

Allele frequency attached by ClinVar (database versions not stated): gnomAD exomes 0.00001.
gnomAD v4.1: 12 of 1,613,984 alleles (0.00074%); highest among the groups gnomAD compares: Non-Finnish European, 0.00093%; no homozygotes.

Submissions (8):

Myriad Genetics, Inc.
Classification: Likely benign for Breast-ovarian cancer, familial, susceptibility to, 2. Last evaluated: 2026-02-04. Review status: criteria provided, single submitter. Criteria: Myriad Autosomal Dominant, Autosomal Recessive and X-Linked Classification Criteria (2023). Collection method: clinical testing. Allele origin: unknown.
Comment: This variant is considered likely benign. This variant is strongly associated with less severe personal and family histories of cancer, typical for individuals without pathogenic variants in this gene [PMID: 25085752].

Labcorp Genetics (formerly Invitae), Labcorp
Classification: Uncertain significance for Hereditary breast ovarian cancer syndrome. Last evaluated: 2026-01-18. Review status: criteria provided, single submitter. Criteria: Invitae Variant Classification Sherloc (09022015). Collection method: clinical testing. Allele origin: germline.
Comment: This sequence change replaces serine, which is neutral and polar, with arginine, which is basic and polar, at codon 2247 of the BRCA2 protein (p.Ser2247Arg). This variant is not present in population databases (gnomAD no frequency). This variant has not been reported in the literature in individuals affected with BRCA2-related conditions. ClinVar contains an entry for this variant (Variation ID: 52174). Invitae Evidence Modeling of protein sequence and biophysical properties (such as structural, functional, and spatial information, amino acid conservation, physicochemical variation, residue mobility, and thermodynamic stability) indicates that this missense variant is not expected to disrupt BRCA2 protein function with a negative predictive value of 95%. In summary, the available evidence is currently insufficient to determine the role of this variant in disease. Therefore, it has been classified as a Variant of Uncertain Significance.

Ambry Genetics
Classification: Benign for Hereditary cancer-predisposing syndrome. Last evaluated: 2025-04-30. Review status: criteria provided, single submitter. Criteria: Ambry Variant Classification Scheme 2023. Collection method: clinical testing. Allele origin: germline.

Color Diagnostics, LLC DBA Color Health
Classification: Uncertain significance for Hereditary cancer-predisposing syndrome. Last evaluated: 2023-08-08. Review status: criteria provided, single submitter. Criteria: ACMG Guidelines, 2015. Collection method: clinical testing. Allele origin: germline.
Comment: This missense variant replaces serine with arginine at codon 2247 of the BRCA2 protein. Computational prediction suggests that this variant may not impact protein structure and function (internally defined REVEL score threshold <= 0.5, PMID: 27666373). To our knowledge, functional studies have not been reported for this variant. This variant has been detected in a breast cancer case-control meta-analysis in 1/60466 cases and 1/53461 unaffected individuals (PMID: 33471991; Leiden Open Variation Database DB-ID BRCA2_008501), and it has also been reported in a multifactorial analysis with inconclusive co-occurrence and family history likelihood ratios of pathogenicity of 1.0498 and 1.0667, respectively (PMID: 31131967). This variant has not been identified in the general population by the Genome Aggregation Database (gnomAD). The available evidence is insufficient to determine the role of this variant in disease conclusively. Therefore, this variant is classified as a Variant of Uncertain Significance.

University of Washington Department of Laboratory Medicine, University of Washington
Classification: Likely benign for Hereditary cancer-predisposing syndrome. Last evaluated: 2023-03-23. Review status: criteria provided, single submitter. Criteria: Dines et al. (Genet Med. 2020). Collection method: curation. Allele origin: germline.
Comment: Missense variant in a coldspot region where missense variants are very unlikely to be pathogenic (PMID:31911673).

BRCA2 exon 11 coldspot. Reclassification based on statistical prior probability.

Women's Health and Genetics/Laboratory Corporation of America, LabCorp
Classification: Uncertain significance. Last evaluated: 2022-08-08. Review status: criteria provided, single submitter. Criteria: LabCorp Variant Classification Summary - May 2015. Collection method: clinical testing. Allele origin: germline.

St. Jude Molecular Pathology, St. Jude Children's Research Hospital
Classification: Uncertain significance for Breast-ovarian cancer, familial, susceptibility to, 2. Last evaluated: 2022-03-10. Review status: criteria provided, single submitter. Criteria: St. Jude Assertion Criteria 2020. Collection method: clinical testing. Allele origin: germline.
Comment: The BRCA2 c.6741T>A (p.Ser2247Arg) missense change absent in gnomAD v2.1.1 (PM2_supporting ). Six of seven in silico tools predict a benign effect of this variant on protein function (BP4), but to our knowledge these predictions have not been confirmed by functional assays. This variant is absent in the FLOSSIES database which contains genetic variants from women older than 70 years of age who have never had cancer. To our knowledge, this variant has not been reported in individuals with hereditary breast and ovarian cancer or Fanconi anemia. In summary, this variant meets criteria to be classified as of uncertain significance based on the ACMG/AMP criteria: PM2_Supporting, BP4.

Breast Cancer Information Core (BIC) (BRCA2)
Classification: Uncertain significance for Breast-ovarian cancer, familial 2. Last evaluated: 2002-05-29. Review status: no assertion criteria provided. Collection method: clinical testing. Allele origin: germline. Affected: yes. Observed: 2 variant alleles. Not counted in ClinVar's aggregate classification.

Literature cited by the submitters: PubMed 25085752 (cited by Myriad Genetics, Inc.); PubMed 31131967 (cited by Color Diagnostics, LLC DBA Color Health); PubMed 33471991 (cited by Color Diagnostics, LLC DBA Color Health).